The following is an entry in ClinVar:

NM_004496.5(FOXA1):c.623G>C (p.Arg208Pro)

Gene: FOXA1 (forkhead box A1; minus strand). Cytogenetic location: 14q21.1.
Variant type: single nucleotide variant.
Coding change: c.623G>C on transcript NM_004496.5 (MANE Select); coding-DNA position 623, G replaced by C.
Protein change: p.Arg208Pro; replaces arginine 208 with proline.
Molecular consequence: missense variant.
Genome position (GRCh38, 1-based): chr14:37,592,161, C>G on the plus strand (G>C on the coding strand, the complement: FOXA1 is on the minus strand). VCF-style: chr14-37592161-C-G. GRCh37 (hg19) VCF-style: chr14-38061366-C-G.
Other names: short protein forms R208P.
Identifiers: ClinVar variation 4857735 (VCV004857735.1).

ClinVar aggregate classification (germline): VUS-high (1 of 4 stars; one submission).

Conditions:
Paroxysmal choreoathetosis. Identifiers: MedGen C1851936, HP:0007098.
Imperforate anus. Also called: Anal atresia; Anorectal stenosis; ANUS, IMPERFORATE, X-LINKED. Identifiers: Orphanet 557, MedGen C0003466, MONDO:0001046, OMIM 207500, OMIM 301800, HP:0002023.
Scoliosis. Identifiers: MedGen C0036439, MONDO:0005392, HP:0002650.
Bronchiectasis. Identifiers: MedGen C0006267, MONDO:0004822, HP:0002110.

Submission:

Acibadem Labgen Genetic Diagnostic Center
Classification: VUS-high for Bronchiectasis; Paroxysmal choreoathetosis; Scoliosis; Imperforate anus. Last evaluated: 2026-07-10. Review status: criteria provided, single submitter. Criteria: ACMG Guidelines, 2015. Collection method: clinical testing. Allele origin: biparental. Inheritance: Autosomal recessive inheritance. Affected: yes. Observed: 4 variant alleles, 4 homozygotes. Clinical features observed: Global developmental delay (HP:0001263), Chorea (HP:0002072), Recurrent respiratory infections (HP:0002205), Imperforate anus (HP:0002023), Abnormality of the vertebral column (HP:0000925), Bronchiectasis (HP:0002110).
Comment: Homozygous in three affected relatives from a consanguineous family and segregates with disease under an autosomal recessive model. The variant affects a highly conserved residue within the FOXA1 DNA-binding forkhead domain, is absent in the homozygous state from population databases, and is predicted to be deleterious by multiple computational tools. Current evidence supports a high-priority VUS pending functional validation and additional independent cases.